The following is an entry in ClinVar:

ClinVar aggregate classification (germline): Uncertain significance (1 of 4 stars; one submission).

Conditions:
Cardiovascular phenotype. Identifiers: MedGen CN230736.

Submission:

Ambry Genetics
Classification: Uncertain significance for Cardiovascular phenotype. Last evaluated: 2021-12-07. Review status: criteria provided, single submitter. Criteria: Ambry Variant Classification Scheme 2023. Collection method: clinical testing. Allele origin: germline.
Comment: The p.L1843V variant (also known as c.5527C>G), located in coding exon 24 of the DSP gene, results from a C to G substitution at nucleotide position 5527. The leucine at codon 1843 is replaced by valine, an amino acid with highly similar properties. This amino acid position is highly conserved in available vertebrate species. In addition, this alteration is predicted to be tolerated by in silico analysis. Since supporting evidence is limited at this time, the clinical significance of this alteration remains unclear.

NM_004415.4(DSP):c.5527C>G (p.Leu1843Val)

Gene: DSP (desmoplakin; plus strand). Cytogenetic location: 6p24.3.
Variant type: single nucleotide variant.
Coding change: c.5527C>G on transcript NM_004415.4 (MANE Select); coding-DNA position 5527, C replaced by G.
Protein change: p.Leu1843Val; replaces leucine 1843 with valine.
Molecular consequence: missense variant.
Genome position (GRCh38, 1-based): chr6:7,582,789, C>G. VCF-style: chr6-7582789-C-G. GRCh37 (hg19) VCF-style: chr6-7583022-C-G.
Other names: c.3730C>G, p.Leu1244Val (NM_001008844.3); c.4198C>G, p.Leu1400Val (NM_001319034.2); short protein forms L1400V, L1244V, L1843V.
Identifiers: ClinVar variation 1748099 (VCV001748099.2), dbSNP rs2533936288, ClinGen allele CA362688818.
Genomic context (GRCh38, chr6:7,582,789, plus strand): 5'-GAGCAAGACAAGGCAAGGCTGCAGAGGCTGGAGGATGAGCTGAATCGTGCAAAATCAACT[C>G]TAGAGGCAGAAACCAGGGTGAAACAGCGCCTGGAGTGTGAGAAACAGCAAATTCAGAATG-3'
Protein context (NP_004406.2, residues 1833-1853): EDELNRAKST[Leu1843Val]EAETRVKQRL